The following is an entry in ClinVar:

ClinVar aggregate classification (germline): Uncertain significance. Review status: criteria provided, multiple submitters, no conflicts (2 of 4 stars). 5 submissions from 5 submitters: Uncertain significance (5). Last evaluated 2024-11-07.

Conditions:
Immunodeficiency, common variable, 7. Identifiers: Orphanet 1572, Orphanet 696894, MedGen C3542922, MONDO:0013862, OMIM 614699.
Inborn genetic diseases. Identifiers: MedGen C0950123, MeSH D030342.

Allele frequency attached by ClinVar (database versions not stated): TOPMed 0.00001; gnomAD exomes 0.00006 and 0.00011; gnomAD 0.00008; ExAC 0.00010; 1000 Genomes Project 30x 0.00016; 1000 Genomes Project 0.00020.
gnomAD v4.1: 96 of 1,602,826 alleles (0.006%); highest among the groups gnomAD compares: South Asian, 0.022%; no homozygotes.

Submissions (5):

Blueprint Genetics
Classification: Uncertain significance. Last evaluated: 2024-11-07. Review status: criteria provided, single submitter. Criteria: ACMG Guidelines, 2015. Collection method: clinical testing. Allele origin: germline.

Ambry Genetics
Classification: Uncertain significance for Inborn genetic diseases. Last evaluated: 2024-06-28. Review status: criteria provided, single submitter. Criteria: Ambry Variant Classification Scheme 2023. Collection method: clinical testing. Allele origin: germline.

Genome-Nilou Lab
Classification: Uncertain significance for Immunodeficiency, common variable, 7. Last evaluated: 2023-04-11. Review status: criteria provided, single submitter. Criteria: ACMG Guidelines, 2015. Collection method: clinical testing. Allele origin: germline. Affected: no.

Labcorp Genetics (formerly Invitae), Labcorp
Classification: Uncertain significance for Immunodeficiency, common variable, 7. Last evaluated: 2022-08-23. Review status: criteria provided, single submitter. Criteria: Invitae Variant Classification Sherloc (09022015). Collection method: clinical testing. Allele origin: germline.
Comment: This sequence change replaces proline, which is neutral and non-polar, with leucine, which is neutral and non-polar, at codon 140 of the CR2 protein (p.Pro140Leu). This variant is present in population databases (rs563764676, gnomAD 0.07%). This variant has not been reported in the literature in individuals affected with CR2-related conditions. ClinVar contains an entry for this variant (Variation ID: 807908). Algorithms developed to predict the effect of missense changes on protein structure and function are either unavailable or do not agree on the potential impact of this missense change (SIFT: "Deleterious"; PolyPhen-2: "Probably Damaging"; Align-GVGD: "Class C0"). In summary, the available evidence is currently insufficient to determine the role of this variant in disease. Therefore, it has been classified as a Variant of Uncertain Significance.

CeGaT Center for Human Genetics Tuebingen
Classification: Uncertain significance. Last evaluated: 2018-12-01. Review status: criteria provided, single submitter. Criteria: CeGaT Center For Human Genetics Tuebingen Variant Classification Criteria Version 2. Collection method: clinical testing. Allele origin: germline. Affected: yes. Observed: 1 variant allele.

NM_001006658.3(CR2):c.419C>T (p.Pro140Leu)

Gene: CR2 (complement C3d receptor 2; plus strand). Cytogenetic location: 1q32.2.
Variant type: single nucleotide variant.
Coding change: c.419C>T on transcript NM_001006658.3 (MANE Select); coding-DNA position 419, C replaced by T.
Protein change: p.Pro140Leu; replaces proline 140 with leucine.
Molecular consequence: missense variant.
Genome position (GRCh38, 1-based): chr1:207,466,886, C>T. VCF-style: chr1-207466886-C-T. GRCh37 (hg19) VCF-style: chr1-207640231-C-T.
Other names: c.419C>T, p.Pro140Leu (NM_001877.5); short protein forms P140L.
Identifiers: ClinVar variation 807908 (VCV000807908.49), dbSNP rs563764676, ClinGen allele CA1368409.